The following is an entry in ClinVar:

ClinVar aggregate classification (germline): Uncertain significance (1 of 4 stars; one submission).

Submission:

CeGaT Center for Human Genetics Tuebingen
Classification: Uncertain significance. Last evaluated: 2025-09-01. Review status: criteria provided, single submitter. Criteria: CeGaT Center For Human Genetics Tuebingen Variant Classification Criteria Version 2. Collection method: clinical testing. Allele origin: germline. Affected: yes. Observed: 1 variant allele.
Comment: CELSR1: PM2, BP4

NM_001378328.1(CELSR1):c.8301-5T>G

Gene: CELSR1 (cadherin EGF LAG seven-pass G-type receptor 1; minus strand). Cytogenetic location: 22q13.31.
Variant type: single nucleotide variant.
Coding change: c.8301-5T>G on transcript NM_001378328.1 (MANE Select); 5 bases into the intron before coding-DNA position 8301, T replaced by G.
Molecular consequence: intron variant.
Genome position (GRCh38, 1-based): chr22:46,365,694, A>C on the plus strand (T>G on the coding strand, the complement: CELSR1 is on the minus strand). VCF-style: chr22-46365694-A-C. GRCh37 (hg19) VCF-style: chr22-46761591-A-C.
Other names: c.8301-5T>G (NM_014246.4).
Identifiers: ClinVar variation 4281462 (VCV004281462.7).
Genomic context (GRCh38, chr22:46,365,694, plus strand): 5'-CGTGGCTGCCCCTCACCAGCCCAGAGGACACGCCGAGCTTCTGGATCCCTTCATCCCTAG[A>C]GAGGCCAGGGAGGGTGGGCTCAGTATCATCCGTCAGGGAACAGGAGGTGCTGGAAAGTTC-3'